The following is an entry in ClinVar:

NM_018699.4(PRDM5):c.1682A>G (p.Asp561Gly)

Gene: PRDM5 (PR/SET domain 5; minus strand). Cytogenetic location: 4q27.
Variant type: single nucleotide variant.
Coding change: c.1682A>G on transcript NM_018699.4 (MANE Select); coding-DNA position 1682, A replaced by G.
Protein change: p.Asp561Gly; replaces aspartic acid 561 with glycine.
Molecular consequence: missense variant. On other transcripts: synonymous variant (1), intron variant (1).
Genome position (GRCh38, 1-based): chr4:120,710,355, T>C on the plus strand (A>G on the coding strand, the complement: PRDM5 is on the minus strand). VCF-style: chr4-120710355-T-C. GRCh37 (hg19) VCF-style: chr4-121631510-T-C.
Other names: c.1589A>G, p.Asp530Gly (NM_001300823.2); c.1503A>G, p.Gly501= (NM_001300824.2); c.1715A>G, p.Asp572Gly (NM_001379104.1); c.1531-15080A>G (NM_001379106.1); short protein forms D561G, D530G, D572G.
Identifiers: ClinVar variation 3309813 (VCV003309813.4).

ClinVar aggregate classification (germline): Uncertain significance. Review status: criteria provided, multiple submitters, no conflicts (2 of 4 stars). 3 submissions from 3 submitters: Uncertain significance (3). Last evaluated 2024-04-17.

Conditions:
Cardiovascular phenotype. Identifiers: MedGen CN230736.

gnomAD v4.1: 16 of 1,613,996 alleles (0.00099%); highest among the groups gnomAD compares: African/African-American, 0.004%; no homozygotes.

Submissions (3):

Labcorp Genetics (formerly Invitae), Labcorp
Classification: Uncertain significance. Last evaluated: 2024-04-17. Review status: criteria provided, single submitter. Criteria: Invitae Variant Classification Sherloc (09022015). Collection method: clinical testing. Allele origin: germline.
Comment: This sequence change replaces aspartic acid, which is acidic and polar, with glycine, which is neutral and non-polar, at codon 561 of the PRDM5 protein (p.Asp561Gly). This variant is present in population databases (rs765767835, gnomAD 0.003%). This variant has not been reported in the literature in individuals affected with PRDM5-related conditions. An algorithm developed to predict the effect of missense changes on protein structure and function (PolyPhen-2) suggests that this variant is likely to be tolerated. In summary, the available evidence is currently insufficient to determine the role of this variant in disease. Therefore, it has been classified as a Variant of Uncertain Significance.

Ambry Genetics
Classification: Uncertain significance for Cardiovascular phenotype. Last evaluated: 2024-03-15. Review status: criteria provided, single submitter. Criteria: Ambry Variant Classification Scheme 2023. Collection method: clinical testing. Allele origin: germline.

GeneDx
Classification: Uncertain significance. Last evaluated: 2023-06-22. Review status: criteria provided, single submitter. Criteria: GeneDx Variant Classification Process June 2021. Collection method: clinical testing. Allele origin: germline. Affected: yes.
Comment: Not observed at significant frequency in large population cohorts (gnomAD); In silico analysis supports that this missense variant does not alter protein structure/function; Has not been previously published as pathogenic or benign to our knowledge